The following is an entry in ClinVar:

ClinVar aggregate classification (germline): Uncertain significance (1 of 4 stars; one submission).

Conditions:
Meckel syndrome, type 11 (MKS11). Identifiers: Orphanet 564, MedGen C3809352, MONDO:0014164, OMIM 615397.
Joubert syndrome 20 (JBTS20). Identifiers: Orphanet 475, MedGen C3554235, MONDO:0013994, OMIM 614970.

Allele frequency attached by ClinVar (database versions not stated): TOPMed below 0.00001.

Submission:

Labcorp Genetics (formerly Invitae), Labcorp
Classification: Uncertain significance for Joubert syndrome 20; Meckel syndrome, type 11. Last evaluated: 2022-06-14. Review status: criteria provided, single submitter. Criteria: Invitae Variant Classification Sherloc (09022015). Collection method: clinical testing. Allele origin: germline.
Comment: This sequence change replaces aspartic acid, which is acidic and polar, with glycine, which is neutral and non-polar, at codon 243 of the TMEM231 protein (p.Asp243Gly). This variant is present in population databases (no rsID available, gnomAD 0.006%). This variant has not been reported in the literature in individuals affected with TMEM231-related conditions. Algorithms developed to predict the effect of missense changes on protein structure and function are either unavailable or do not agree on the potential impact of this missense change (SIFT: "Tolerated"; PolyPhen-2: "Not Available"; Align-GVGD: "Class C0"). In summary, the available evidence is currently insufficient to determine the role of this variant in disease. Therefore, it has been classified as a Variant of Uncertain Significance.

NM_001077418.3(TMEM231):c.569A>G (p.Asp190Gly)

Gene: TMEM231 (transmembrane protein 231; minus strand). Cytogenetic location: 16q23.1.
Variant type: single nucleotide variant.
Coding change: c.569A>G on transcript NM_001077418.3 (MANE Select); coding-DNA position 569, A replaced by G.
Protein change: p.Asp190Gly; replaces aspartic acid 190 with glycine.
Molecular consequence: missense variant. On other transcripts: non-coding transcript variant (1).
Genome position (GRCh38, 1-based): chr16:75,545,365, T>C on the plus strand (A>G on the coding strand, the complement: TMEM231 is on the minus strand). VCF-style: chr16-75545365-T-C. GRCh37 (hg19) VCF-style: chr16-75579263-T-C.
Other names: c.728A>G, p.Asp243Gly (NM_001077416.2); short protein forms D190G, D243G.
Identifiers: ClinVar variation 2416196 (VCV002416196.43), dbSNP rs1360459559, ClinGen allele CA396806610.
Genomic context (GRCh38, chr16:75,545,365, plus strand): 5'-AGTAACACAGAGAAACAAAGGAGCTGGACAATGAGAAGCGCTCTTACGTTGTATCGGGCA[T>C]CTAGGCCACCACAGCTCAGCGGCTGCTTCTGCTGCAGCCTCAGGTCTCCGTTCACGTATA-3'
Protein context (NP_001070886.1, residues 180-200): QKQPLSCGGL[Asp190Gly]ARYNISVING